The following is an entry in ClinVar:

ClinVar aggregate classification (germline): Uncertain significance (1 of 4 stars; one submission).

Conditions:
Combined immunodeficiency due to LRBA deficiency. Also called: Common variable immunodeficiency 8, with autoimmunity. Identifiers: Orphanet 445018, MedGen C3553512, MONDO:0013863, OMIM 614700.

gnomAD v4.1: 1 of 1,613,928 alleles (0.000062%); highest among the groups gnomAD compares: African/African-American, 0.0013%; no homozygotes.

Submission:

Labcorp Genetics (formerly Invitae), Labcorp
Classification: Uncertain significance for Combined immunodeficiency due to LRBA deficiency. Last evaluated: 2024-07-20. Review status: criteria provided, single submitter. Criteria: Invitae Variant Classification Sherloc (09022015). Collection method: clinical testing. Allele origin: germline.
Comment: This sequence change replaces arginine, which is basic and polar, with proline, which is neutral and non-polar, at codon 2825 of the LRBA protein (p.Arg2825Pro). This variant is present in population databases (no rsID available, gnomAD 0.01%). This variant has not been reported in the literature in individuals affected with LRBA-related conditions. Advanced modeling of protein sequence and biophysical properties (such as structural, functional, and spatial information, amino acid conservation, physicochemical variation, residue mobility, and thermodynamic stability) performed at Invitae indicates that this missense variant is expected to disrupt LRBA protein function with a positive predictive value of 80%. In summary, the available evidence is currently insufficient to determine the role of this variant in disease. Therefore, it has been classified as a Variant of Uncertain Significance.

NM_001364905.1(LRBA):c.8441G>C (p.Arg2814Pro)

Gene: LRBA (LPS responsive beige-like anchor protein; minus strand). Cytogenetic location: 4q31.3.
Variant type: single nucleotide variant.
Coding change: c.8441G>C on transcript NM_001364905.1 (MANE Select); coding-DNA position 8441, G replaced by C.
Protein change: p.Arg2814Pro; replaces arginine 2814 with proline.
Molecular consequence: missense variant.
Genome position (GRCh38, 1-based): chr4:150,277,880, C>G on the plus strand (G>C on the coding strand, the complement: LRBA is on the minus strand). VCF-style: chr4-150277880-C-G. GRCh37 (hg19) VCF-style: chr4-151199032-C-G.
Other names: c.8438G>C, p.Arg2813Pro (NM_001199282.3); c.8456G>C, p.Arg2819Pro (NM_001367550.1); c.8474G>C, p.Arg2825Pro (NM_006726.5); short protein forms R2819P, R2825P, R2813P, R2814P.
Identifiers: ClinVar variation 3689051 (VCV003689051.2).